The following is an entry in ClinVar:

NM_004612.4(TGFBR1):c.714A>C (p.Glu238Asp)

Gene: TGFBR1 (transforming growth factor beta receptor 1; plus strand). Cytogenetic location: 9q22.33.
Variant type: single nucleotide variant.
Coding change: c.714A>C on transcript NM_004612.4 (MANE Select); coding-DNA position 714, A replaced by C.
Protein change: p.Glu238Asp; replaces glutamic acid 238 with aspartic acid.
Molecular consequence: missense variant.
Genome position (GRCh38, 1-based): chr9:99,137,998, A>C. VCF-style: chr9-99137998-A-C. GRCh37 (hg19) VCF-style: chr9-101900280-A-C.
Other names: c.483A>C, p.Glu161Asp (NM_001130916.3); c.726A>C, p.Glu242Asp (NM_001306210.2); c.714A>C (NM_004612.2); short protein forms E238D, E242D, E161D.
Identifiers: ClinVar variation 921513 (VCV000921513.10), dbSNP rs1827490717, ClinGen allele CA374229768.

ClinVar aggregate classification (germline): Uncertain significance. Review status: criteria provided, multiple submitters, no conflicts (2 of 4 stars). 4 submissions from 4 submitters: Uncertain significance (4). Last evaluated 2024-08-05.

Conditions:
Familial thoracic aortic aneurysm and aortic dissection (TAAD). Also called: Thoracic aortic aneurysms and dissections. Identifiers: Orphanet 91387, MedGen C4707243, MONDO:0019625.

Allele frequency attached by ClinVar (database versions not stated): gnomAD 0.00001; gnomAD exomes 0.00001; TOPMed 0.00001.
gnomAD v4.1: 16 of 1,614,016 alleles (0.00099%); highest among the groups gnomAD compares: Non-Finnish European, 0.0013%; no homozygotes.

Submissions (4):

GeneDx
Classification: Uncertain significance. Last evaluated: 2024-08-05. Review status: criteria provided, single submitter. Criteria: GeneDx Variant Classification Process June 2021. Collection method: clinical testing. Allele origin: germline. Affected: yes.
Comment: Not observed at significant frequency in large population cohorts (gnomAD); In silico analysis indicates that this missense variant does not alter protein structure/function; Has not been previously published as pathogenic or benign to our knowledge

Color Diagnostics, LLC DBA Color Health
Classification: Uncertain significance for Familial thoracic aortic aneurysm and aortic dissection. Last evaluated: 2024-03-06. Review status: criteria provided, single submitter. Criteria: ACMG Guidelines, 2015. Collection method: clinical testing. Allele origin: germline.
Comment: This missense variant replaces glutamic acid with aspartic acid at codon 238 of the TGFBR1 protein. Computational prediction suggests that this variant may not impact protein structure and function. To our knowledge, functional studies have not been reported for this variant. This variant has not been reported in individuals affected with cardiovascular disorders in the literature. This variant has not been identified in the general population by the Genome Aggregation Database (gnomAD). The available evidence is insufficient to determine the role of this variant in disease conclusively. Therefore, this variant is classified as a Variant of Uncertain Significance.

Labcorp Genetics (formerly Invitae), Labcorp
Classification: Uncertain significance for Familial thoracic aortic aneurysm and aortic dissection. Last evaluated: 2023-07-06. Review status: criteria provided, single submitter. Criteria: Invitae Variant Classification Sherloc (09022015). Collection method: clinical testing. Allele origin: germline.
Comment: This sequence change replaces glutamic acid, which is acidic and polar, with aspartic acid, which is acidic and polar, at codon 238 of the TGFBR1 protein (p.Glu238Asp). This variant is not present in population databases (gnomAD no frequency). This variant has not been reported in the literature in individuals affected with TGFBR1-related conditions. ClinVar contains an entry for this variant (Variation ID: 921513). Advanced modeling of protein sequence and biophysical properties (such as structural, functional, and spatial information, amino acid conservation, physicochemical variation, residue mobility, and thermodynamic stability) performed at Invitae indicates that this missense variant is not expected to disrupt TGFBR1 protein function. In summary, the available evidence is currently insufficient to determine the role of this variant in disease. Therefore, it has been classified as a Variant of Uncertain Significance.

Ambry Genetics
Classification: Uncertain significance for Familial thoracic aortic aneurysm and aortic dissection. Last evaluated: 2020-10-09. Review status: criteria provided, single submitter. Criteria: Ambry Variant Classification Scheme 2023. Collection method: clinical testing. Allele origin: germline.
Comment: The p.E238D variant (also known as c.714A>C), located in coding exon 4 of the TGFBR1 gene, results from an A to C substitution at nucleotide position 714. The glutamic acid at codon 238 is replaced by aspartic acid, an amino acid with highly similar properties, and is located in the protein kinase domain. This missense alteration is located in a region that has a low rate of benign missense variation (Lek M et al. Nature. 2016 Aug 18;536(7616):285-91; DECIPHER: Database of Chromosomal Imbalance and Phenotype in Humans using Ensembl Resources. Firth H.V. et al. 2009. Am.J.Hum.Genet. 84, 524-533 (DOI)). This amino acid position is highly conserved in available vertebrate species. In addition, this alteration is predicted to be tolerated by in silico analysis. Since supporting evidence is limited at this time, the clinical significance of this alteration remains unclear.